The following is an entry in ClinVar:

ClinVar aggregate classification (germline): Pathogenic (1 of 4 stars; one submission).

Conditions:
Juvenile polyposis syndrome (JPS). Identifiers: Orphanet 2929, MedGen C0345893, MONDO:0017380, OMIM 174900.

Submission:

Myriad Genetics, Inc.
Classification: Pathogenic for Juvenile polyposis syndrome. Last evaluated: 2023-05-26. Review status: criteria provided, single submitter. Criteria: Myriad Autosomal Dominant, Autosomal Recessive and X-Linked Classification Criteria (2023). Collection method: clinical testing. Allele origin: unknown.
Comment: This variant is considered pathogenic. This variant creates a frameshift predicted to result in premature protein truncation.

NM_004329.3(BMPR1A):c.587_612del (p.Asp196fs)

Gene: BMPR1A (bone morphogenetic protein receptor type 1A; plus strand). Cytogenetic location: 10q23.2.
Variant type: Deletion.
Coding change: c.587_612del on transcript NM_004329.3 (MANE Select); coding-DNA positions 587 to 612, 26 bases deleted (ATGAAGCATTTATTCCAGTTGGAGAA).
Protein change: p.Asp196fs; shifts the reading frame from aspartic acid 196.
Molecular consequence: frameshift variant. On other transcripts: non-coding transcript variant (3), intron variant (1).
Genome position (GRCh38, 1-based): chr10:86,912,296-86,912,321, ATGAAGCATTTATTCCAGTTGGAGAA deleted. VCF-style (leftmost placement, unchanged base first): chr10-86912295-GATGAAGCATTTATTCCAGTTGGAGAA-G. GRCh37 (hg19) VCF-style: chr10-88672052-GATGAAGCATTTATTCCAGTTGGAGAA-G.
Other names: c.662_687del, p.Asp221fs (NM_001406559.1); c.635_660del, p.Asp212fs (NM_001406560.1); c.587_612del, p.Asp196fs (NM_001406570.1, NM_001406571.1, NM_001406572.1 and 20 more transcripts); c.503_528del, p.Asp168fs (NM_001406584.1, NM_001406585.1, NM_001406586.1 and 2 more transcripts); c.334-4838_334-4813del (NM_001406589.1); short protein forms D168fs, D196fs, D212fs, D221fs.
Identifiers: ClinVar variation 2583504 (VCV002583504.2), dbSNP rs2539572909, ClinGen allele CA2582342704.
Genomic context (GRCh38, chr10:86,912,295, plus strand): 5'-AAAAGACATTATTGCAAGAGCATCTCAAGCAGACGTCGTTACAATCGTGATTTGGAACAG[GATGAAGCATTTATTCCAGTTGGAGAA>G]TCACTAAAAGACCTTATTGACCAGTCACAAAGTTCTGGTAGTGGGTCTGGACTACCTTTA-3'